The following is an entry in ClinVar:

ClinVar aggregate classification (germline): Uncertain significance (1 of 4 stars; one submission).

Allele frequency attached by ClinVar (database versions not stated): gnomAD exomes below 0.00001.
gnomAD v4.1: 1 of 1,614,208 alleles (0.000062%); highest among the groups gnomAD compares: South Asian, 0.0011%; no homozygotes.

Submission:

Labcorp Genetics (formerly Invitae), Labcorp
Classification: Uncertain significance. Last evaluated: 2020-03-24. Review status: criteria provided, single submitter. Criteria: Invitae Variant Classification Sherloc (09022015). Collection method: clinical testing. Allele origin: germline.
Comment: This variant is not present in population databases (ExAC no frequency). This sequence change replaces glycine with aspartic acid at codon 583 of the PCARE protein (p.Gly583Asp). The glycine residue is highly conserved and there is a moderate physicochemical difference between glycine and aspartic acid. This variant has not been reported in the literature in individuals with PCARE-related conditions. In summary, the available evidence is currently insufficient to determine the role of this variant in disease. Therefore, it has been classified as a Variant of Uncertain Significance. Algorithms developed to predict the effect of missense changes on protein structure and function output the following: SIFT: "Deleterious"; PolyPhen-2: "Benign"; Align-GVGD: "Class C65". The aspartic acid amino acid residue is found in multiple mammalian species, suggesting that this missense change does not adversely affect protein function. These predictions have not been confirmed by published functional studies and their clinical significance is uncertain.

NM_001029883.3(PCARE):c.1748G>A (p.Gly583Asp)

Gene: PCARE (photoreceptor cilium actin regulator; minus strand). Cytogenetic location: 2p23.2.
Variant type: single nucleotide variant.
Coding change: c.1748G>A on transcript NM_001029883.3 (MANE Select); coding-DNA position 1748, G replaced by A.
Protein change: p.Gly583Asp; replaces glycine 583 with aspartic acid.
Molecular consequence: missense variant.
Genome position (GRCh38, 1-based): chr2:29,072,514, C>T on the plus strand (G>A on the coding strand, the complement: PCARE is on the minus strand). VCF-style: chr2-29072514-C-T. GRCh37 (hg19) VCF-style: chr2-29295380-C-T.
Other names: short protein forms G583D.
Identifiers: ClinVar variation 1000302 (VCV001000302.8), dbSNP rs1667509483, ClinGen allele CA346478997.